The following is an entry in ClinVar:

NM_004444.5(EPHB4):c.1006G>A (p.Gly336Ser)

Gene: EPHB4 (EPH receptor B4; minus strand). Cytogenetic location: 7q22.1.
Variant type: single nucleotide variant.
Coding change: c.1006G>A on transcript NM_004444.5 (MANE Select); coding-DNA position 1006, G replaced by A.
Protein change: p.Gly336Ser; replaces glycine 336 with serine.
Molecular consequence: missense variant.
Genome position (GRCh38, 1-based): chr7:100,819,848, C>T on the plus strand (G>A on the coding strand, the complement: EPHB4 is on the minus strand). VCF-style: chr7-100819848-C-T. GRCh37 (hg19) VCF-style: chr7-100417470-C-T.
Other names: p.Gly336Ser; c.1006G>A (NM_004444.4); short protein forms G336S.
Identifiers: ClinVar variation 4541321 (VCV004541321.1).
Genomic context (GRCh38, chr7:100,819,848, plus strand): 5'-TGAGGTCCTCTCGGCCACCAGACTCCAGGGGGGCACTCCATTCCAGGTGCAGGGAGGAGC[C>T]GTTCAGGCGGGAAACCACGCTCCGCGGAGCCGAAGGAGGGGCTGCAGGAGACCAGGGAGT-3'
Protein context (NP_004435.3, residues 326-346): APRSVVSRLN[Gly336Ser]SSLHLEWSAP

ClinVar aggregate classification (germline): Uncertain significance. Review status: criteria provided, multiple submitters, no conflicts (2 of 4 stars). 2 submissions from 2 submitters: Uncertain significance (2). Last evaluated 2025-10-29.

Conditions:
Cardiovascular phenotype. Identifiers: MedGen CN230736.

gnomAD v4.1: 17 of 1,552,784 alleles (0.0011%); highest among the groups gnomAD compares: African/African-American, 0.0014%; no homozygotes.

Submissions (2):

Ambry Genetics
Classification: Uncertain significance for Cardiovascular phenotype. Last evaluated: 2025-10-29. Review status: criteria provided, single submitter. Criteria: Ambry Variant Classification Scheme 2023. Collection method: clinical testing. Allele origin: germline.
Comment: The p.G336S variant (also known as c.1006G>A), located in coding exon 6 of the EPHB4 gene, results from a G to A substitution at nucleotide position 1006. The glycine at codon 336 is replaced by serine, an amino acid with similar properties. This amino acid position is not well conserved in available vertebrate species. In addition, this alteration is predicted to be tolerated by in silico analysis. Based on the available evidence, the clinical significance of this variant remains unclear.

Mayo Clinic Laboratories, Mayo Clinic
Classification: Uncertain significance. Last evaluated: 2025-08-03. Review status: criteria provided, single submitter. Criteria: ACMG Guidelines, 2015. Collection method: clinical testing. Allele origin: germline. Observed: 1 variant allele.
Comment: BP4_moderate, PM2_supporting